The following is an entry in ClinVar:

ClinVar aggregate classification (germline): Pathogenic (1 of 4 stars; one submission).

Conditions:
Cortical dysplasia-focal epilepsy syndrome (PTHSL1). Also called: Pitt-Hopkins-like syndrome 1. Identifiers: Orphanet 163681, Orphanet 221150, MedGen C2750246, MONDO:0012400, OMIM 610042.

Submission:

Labcorp Genetics (formerly Invitae), Labcorp
Classification: Pathogenic for Cortical dysplasia-focal epilepsy syndrome. Last evaluated: 2024-07-31. Review status: criteria provided, single submitter. Criteria: Invitae Variant Classification Sherloc (09022015). Collection method: clinical testing. Allele origin: germline.
Comment: This sequence change creates a premature translational stop signal (p.Glu733*) in the CNTNAP2 gene. It is expected to result in an absent or disrupted protein product. Loss-of-function variants in CNTNAP2 are known to be pathogenic (PMID: 19896112, 21827697, 25045150, 26843181, 27439707). This variant is not present in population databases (gnomAD no frequency). This variant has not been reported in the literature in individuals affected with CNTNAP2-related conditions. For these reasons, this variant has been classified as Pathogenic.

Literature cited by the submitters: PubMed 19896112; PubMed 21827697; PubMed 25045150; PubMed 26843181; PubMed 27439707.

NM_014141.6(CNTNAP2):c.2197G>T (p.Glu733Ter)

Gene: CNTNAP2 (contactin associated protein 2; plus strand). Cytogenetic location: 7q35.
Variant type: single nucleotide variant.
Coding change: c.2197G>T on transcript NM_014141.6 (MANE Select); coding-DNA position 2197, G replaced by T.
Protein change: p.Glu733Ter; replaces glutamic acid 733 with a stop codon.
Molecular consequence: nonsense.
Genome position (GRCh38, 1-based): chr7:147,903,663, G>T. VCF-style: chr7-147903663-G-T. GRCh37 (hg19) VCF-style: chr7-147600755-G-T.
Other names: short protein forms E733*.
Identifiers: ClinVar variation 2820014 (VCV002820014.3), dbSNP rs991842796, ClinGen allele CA369927007.